The following is an entry in ClinVar:

ClinVar aggregate classification (germline): Conflicting classifications of pathogenicity. Review status: criteria provided, conflicting classifications (1 of 4 stars). 13 submissions from 13 submitters: Uncertain significance (5); Likely benign (6). 2 of the submissions do not count toward it. Last evaluated 2026-07-29.

Conditions:
BRCA2-related disorder. Also called: BRCA2-related condition; BRCA2-related disorders. Identifiers: MedGen CN239275.
Hereditary cancer-predisposing syndrome. Also called: Neoplastic Syndromes, Hereditary; Tumor predisposition; Hereditary Cancer Syndrome; Hereditary neoplastic syndrome. Identifiers: Orphanet 140162, MedGen C0027672, MeSH D009386, MONDO:0015356.
Hereditary breast ovarian cancer syndrome. Also called: BRCA1- and BRCA2-Associated Hereditary Breast and Ovarian Cancer; Hereditary breast and ovarian cancer; Hereditary breast and ovarian cancer syndrome; Hereditary breast and ovarian cancer syndrome (HBOC); Breast and ovarian cancer; Hereditary breast and/or ovarian cancer syndrome. Identifiers: Orphanet 145, MedGen C0677776, MeSH D061325, MONDO:0003582. Disease mechanism: loss of function.
Breast-ovarian cancer, familial, susceptibility to, 2 (BROVCA2). Also called: BRCA2 Hereditary Breast and Ovarian Cancer. Identifiers: Orphanet 145, MedGen C2675520, MONDO:0012933, OMIM 612555. Disease mechanism: loss of function.

Allele frequency attached by ClinVar (database versions not stated): ExAC 0.00002; gnomAD 0.00002 and 0.00003; gnomAD exomes 0.00002 and 0.00004; TOPMed 0.00002; 1000 Genomes Project 30x 0.00016; 1000 Genomes Project 0.00020.
gnomAD v4.1: 15 of 1,614,064 alleles (0.00093%); highest among the groups gnomAD compares: Admixed American, 0.023%; no homozygotes.

Submissions (13):

PreventionGenetics, part of Exact Sciences
Classification: Likely benign for BRCA2-related condition. Last evaluated: 2026-07-29. Review status: criteria provided, single submitter. Criteria: ACMG Guidelines, 2015. Collection method: clinical testing. Allele origin: germline.
Comment: This variant is classified as likely benign based on ACMG/AMP sequence variant interpretation guidelines (Richards et al. 2015 PMID: 25741868, with internal and published modifications).

Labcorp Genetics (formerly Invitae), Labcorp
Classification: Likely benign for Hereditary breast ovarian cancer syndrome. Last evaluated: 2026-01-31. Review status: criteria provided, single submitter. Criteria: Invitae Variant Classification Sherloc (09022015). Collection method: clinical testing. Allele origin: germline.

Quest Diagnostics Nichols Institute San Juan Capistrano
Classification: Uncertain significance. Last evaluated: 2025-08-13. Review status: criteria provided, single submitter. Criteria: Quest Diagnostics criteria. Collection method: clinical testing. Allele origin: unknown.
Comment: The BRCA2 c.3479G>A (p.Arg1160Lys) variant has been reported in the published literature in an individual with a personal or family history of an unspecified cancer (PMID: 34413315 (2021)) and described to be located in a region of the BRCA2 gene that is tolerant to missense sequence changes (PMID: 31911673 (2020)). The frequency of this variant in the general population (Genome Aggregation Database) is uninformative in the assessment of its pathogenicity. Analysis of this variant using bioinformatics tools for the prediction of the effect of amino acid changes on protein structure and function yielded predictions that this variant is benign. Based on the available information, we are unable to determine the clinical significance of this variant.

Women's Health and Genetics/Laboratory Corporation of America, LabCorp
Classification: Uncertain significance. Last evaluated: 2025-05-13. Review status: criteria provided, single submitter. Criteria: LabCorp Variant Classification Summary - May 2015. Collection method: clinical testing. Allele origin: germline.
Comment: Variant summary: BRCA2 c.3479G>A (p.Arg1160Lys) results in a conservative amino acid change in the encoded protein sequence. Algorithms developed to predict the effect of missense changes on protein structure and function all suggest that this variant is likely to be tolerated. The variant allele was found at a frequency of 3.6e-05 in 250882 control chromosomes. The available data on variant occurrences in the general population are insufficient to allow any conclusion about variant significance.c.3479G>A has been reported in the literature in at least one individual affected with breast cancer without strong evidence for causality (e.g. Poulet_2016). This report does not provide unequivocal conclusions about association of the variant with Hereditary Breast And Ovarian Cancer Syndrome. To our knowledge, no experimental evidence demonstrating an impact on protein function has been reported. The following publications have been ascertained in the context of this evaluation (PMID: 23096355, 27656653, 31658756, 34413315). ClinVar contains an entry for this variant (Variation ID: 96792). Based on the evidence outlined above, the variant was classified as uncertain significance.

GeneDx
Classification: Uncertain significance. Last evaluated: 2024-12-09. Review status: criteria provided, single submitter. Criteria: GeneDx Variant Classification Process June 2021. Collection method: clinical testing. Allele origin: germline. Affected: yes.
Comment: In silico analysis indicates that this missense variant does not alter protein structure/function; Also known as 3707G>A; This variant is associated with the following publications: (PMID: 27656653, 31911673, 29884841, 32377563, 31658756, 33281875, 30630528, 38093606, 34413315, 23096355)

All of Us Research Program, National Institutes of Health
Classification: Likely benign for Breast-ovarian cancer, familial, susceptibility to, 2. Last evaluated: 2023-11-02. Review status: criteria provided, single submitter. Criteria: ACMG Guidelines, 2015. Collection method: clinical testing. Allele origin: germline. Inheritance: Autosomal dominant inheritance. Observed: 7 variant alleles, 7 heterozygotes.
Comment: This study involves interpretation of variants in research participants for the purpose of population health screening. Participant phenotype was not available at the time of variant classification. Additional details can be found in publication PMID: 35346344, PMCID: PMC8962531

University of Washington Department of Laboratory Medicine, University of Washington
Classification: Likely benign for Hereditary cancer-predisposing syndrome. Last evaluated: 2023-03-23. Review status: criteria provided, single submitter. Criteria: Dines et al. (Genet Med. 2020). Collection method: curation. Allele origin: germline.
Comment: Missense variant in a coldspot region where missense variants are very unlikely to be pathogenic (PMID:31911673).

BRCA2 exon 11 coldspot. Reclassification based on statistical prior probability.

Sema4
Classification: Uncertain significance for Hereditary cancer-predisposing syndrome. Last evaluated: 2021-10-11. Review status: criteria provided, single submitter. Criteria: Sema4 Curation Guidelines. Collection method: curation. Allele origin: germline.
Comment: The BRCA2 c.3479G>A (p.R1160K) variant has been reported in at least one individual with breast cancer (PMID: 27656653). It was observed in 10/35430 chromosomes of the Latino subpopulation in the large and broad cohorts of the Genome Aggregation Database (PMID: 32461654). The variant has been reported in ClinVar (Variation ID 96792). In silico tools suggest the impact of the variant on protein function is benign, though these predictions have not been confirmed by functional studies. There is no indication that this variant causes disease, but the evidence is insufficient currently to prove that conclusively. Thus, the clinical significance of this variant is currently uncertain.

Ambry Genetics
Classification: Likely benign for Hereditary cancer-predisposing syndrome. Last evaluated: 2019-03-19. Review status: criteria provided, single submitter. Criteria: Ambry Variant Classification Scheme 2023. Collection method: clinical testing. Allele origin: germline.

Color Diagnostics, LLC DBA Color Health
Classification: Likely benign for Hereditary cancer-predisposing syndrome. Last evaluated: 2017-03-07. Review status: criteria provided, single submitter. Criteria: ACMG Guidelines, 2015. Collection method: clinical testing. Allele origin: germline.

Vantari Genetics
Classification: Uncertain significance for Hereditary cancer-predisposing syndrome. Last evaluated: 2016-01-21. Review status: criteria provided, single submitter. Criteria: ACMG Guidelines, 2015. Collection method: clinical testing. Allele origin: germline.

Counsyl
Classification: Uncertain significance for Breast-ovarian cancer, familial, susceptibility to, 2. Last evaluated: 2017-11-27. Review status: no assertion criteria provided. Collection method: clinical testing. Allele origin: unknown. Not counted in ClinVar's aggregate classification.

Sharing Clinical Reports Project (SCRP)
Classification: Uncertain significance for Breast-ovarian cancer, familial 2. Last evaluated: 2011-11-15. Review status: no assertion criteria provided. Collection method: clinical testing. Allele origin: germline. Not counted in ClinVar's aggregate classification.

Literature cited by the submitters: PubMed 34413315 (cited by Quest Diagnostics Nichols Institute San Juan Capistrano and Women's Health and Genetics/Laboratory Corporation of America, LabCorp); PubMed 31658756 (cited by Quest Diagnostics Nichols Institute San Juan Capistrano and Women's Health and Genetics/Laboratory Corporation of America, LabCorp); PubMed 23096355 (cited by 3 submitters); PubMed 31911673 (cited by Quest Diagnostics Nichols Institute San Juan Capistrano); PubMed 27656653 (cited by 4 submitters).

NM_000059.4(BRCA2):c.3479G>A (p.Arg1160Lys)

Gene: BRCA2 (BRCA2 DNA repair associated; plus strand). Cytogenetic location: 13q13.1.
Variant type: single nucleotide variant.
Coding change: c.3479G>A on transcript NM_000059.4 (MANE Select); coding-DNA position 3479, G replaced by A.
Protein change: p.Arg1160Lys; replaces arginine 1160 with lysine.
Molecular consequence: missense variant.
Genome position (GRCh38, 1-based): chr13:32,337,834, G>A. VCF-style: chr13-32337834-G-A. GRCh37 (hg19) VCF-style: chr13-32911971-G-A.
Other names: 3707G>A; short protein forms R1160K.
Identifiers: ClinVar variation 96792 (VCV000096792.39), dbSNP rs183920365, ClinGen allele CA018145.